The following is an entry in ClinVar:

NM_001382241.1(TNPO2):c.2567T>C (p.Leu856Pro)

Genes: TNPO2 (transportin 2; minus strand), LOC126862859 (CDK7 strongly-dependent group 2 enhancer GRCh37_chr19:12811952-12813151; plus strand). Cytogenetic location: 19p13.13.
Variant type: single nucleotide variant.
Coding change: c.2567T>C on transcript NM_001382241.1 (MANE Select); coding-DNA position 2567, T replaced by C.
Protein change: p.Leu856Pro; replaces leucine 856 with proline.
Molecular consequence: missense variant. On other transcripts: non-coding transcript variant (6).
Genome position (GRCh38, 1-based): chr19:12,701,617, A>G on the plus strand (T>C on the coding strand, the complement: TNPO2 is on the minus strand). VCF-style: chr19-12701617-A-G. GRCh37 (hg19) VCF-style: chr19-12812431-A-G.
Other names: c.2537T>C, p.Leu846Pro (NM_001136195.2, NM_001382236.1, NM_001382237.1 and 3 more transcripts); c.2567T>C, p.Leu856Pro (NM_001136196.2, NM_001382240.1, NM_001382242.1); c.2531T>C, p.Leu844Pro (NM_001382243.1); short protein forms L856P, L844P, L846P.
Identifiers: ClinVar variation 5005925 (VCV005005925.2).

ClinVar aggregate classification (germline): Uncertain significance (1 of 4 stars; one submission).

Conditions:
Intellectual developmental disorder with hypotonia, impaired speech, and dysmorphic facies (IDDHISD). Identifiers: MedGen C5561997, MONDO:0859197, OMIM 619556.

Submission:

Juno Genomics, Hangzhou Juno Genomics, Inc
Classification: Uncertain significance for Intellectual developmental disorder with hypotonia, impaired speech, and dysmorphic facies. Review status: criteria provided, single submitter. Criteria: ACMG Guidelines, 2015. Collection method: clinical testing. Allele origin: germline.
Comment: Missense variant in a gene that has a low rate of benign missense variation.;Multiple lines of computational evidence support a deleterious effect on the gene or gene product.;Absent from controls (or at extremely low frequency if recessive) in Genome Aggregation Database.